The following is an entry in ClinVar:

NM_000051.4(ATM):c.2839-90G>T

Gene: ATM (ATM serine/threonine kinase; plus strand). Cytogenetic location: 11q22.3.
Variant type: single nucleotide variant.
Coding change: c.2839-90G>T on transcript NM_000051.4 (MANE Select); 90 bases into the intron before coding-DNA position 2839, G replaced by T.
Molecular consequence: intron variant.
Genome position (GRCh38, 1-based): chr11:108,270,974, G>T. VCF-style: chr11-108270974-G-T. GRCh37 (hg19) VCF-style: chr11-108141701-G-T.
Other names: c.2839-90G>T (NM_001351834.2).
Identifiers: ClinVar variation 1232570 (VCV001232570.6), dbSNP rs651030, ClinGen allele CA13448786.

ClinVar aggregate classification (germline): Benign. Review status: criteria provided, multiple submitters, no conflicts (2 of 4 stars). 3 submissions from 3 submitters: Benign (3). Last evaluated 2024-01-24.

Allele frequency attached by ClinVar (database versions not stated): gnomAD 0.35293 and 0.36189; TOPMed 0.35854; 1000 Genomes Project 30x 0.36930; 1000 Genomes Project 0.37300.
gnomAD v4.1: 441,776 of 1,059,576 alleles (42%); highest among the groups gnomAD compares: Middle Eastern, 58%; 95,858 homozygotes.

Submissions (3):

Unidad de Genómica Garrahan, Hospital de Pediatría Garrahan
Classification: Benign. Last evaluated: 2024-01-24. Review status: criteria provided, single submitter. Criteria: ACMG Guidelines, 2015. Collection method: clinical testing. Allele origin: germline. Affected: no. Observed: 22 variant alleles.
Comment: This variant is classified as Benign based on local population frequency. This variant was detected in 23% of patients studied by a panel of primary immunodeficiencies. Number of patients: 22. Only high quality variants are reported.

GeneDx
Classification: Benign. Last evaluated: 2015-03-03. Review status: criteria provided, single submitter. Criteria: GeneDx Variant Classification Process June 2021. Collection method: clinical testing. Allele origin: germline. Affected: yes.

Breakthrough Genomics
Classification: Benign. Review status: criteria provided, single submitter. Criteria: ACMG Guidelines, 2015. Collection method: not provided. Allele origin: germline. Inheritance: Autosomal recessive inheritance. Affected: yes.